The following is an entry in ClinVar:

ClinVar aggregate classification (germline): Uncertain significance (1 of 4 stars; one submission).

Conditions:
Left ventricular noncompaction 8 (LVNC8). Identifiers: Orphanet 154, Orphanet 54260, MedGen C3809288, MONDO:0014152, OMIM 615373.

gnomAD v4.1: 14 of 1,613,102 alleles (0.00087%); highest among the groups gnomAD compares: East Asian, 0.0067%; no homozygotes.

Submission:

Labcorp Genetics (formerly Invitae), Labcorp
Classification: Uncertain significance for Left ventricular noncompaction 8. Last evaluated: 2024-06-19. Review status: criteria provided, single submitter. Criteria: Invitae Variant Classification Sherloc (09022015). Collection method: clinical testing. Allele origin: germline.
Comment: This sequence change replaces glutamic acid, which is acidic and polar, with lysine, which is basic and polar, at codon 770 of the PRDM16 protein (p.Glu770Lys). This variant is present in population databases (rs769885024, gnomAD 0.003%). This variant has not been reported in the literature in individuals affected with PRDM16-related conditions. An algorithm developed to predict the effect of missense changes on protein structure and function (PolyPhen-2) suggests that this variant is likely to be disruptive. In summary, the available evidence is currently insufficient to determine the role of this variant in disease. Therefore, it has been classified as a Variant of Uncertain Significance.

NM_022114.4(PRDM16):c.2308G>A (p.Glu770Lys)

Gene: PRDM16 (PR/SET domain 16; plus strand). Cytogenetic location: 1p36.32.
Variant type: single nucleotide variant.
Coding change: c.2308G>A on transcript NM_022114.4 (MANE Select); coding-DNA position 2308, G replaced by A.
Protein change: p.Glu770Lys; replaces glutamic acid 770 with lysine.
Molecular consequence: missense variant.
Genome position (GRCh38, 1-based): chr1:3,412,505, G>A. VCF-style: chr1-3412505-G-A. GRCh37 (hg19) VCF-style: chr1-3329069-G-A.
Other names: c.2308G>A, p.Glu770Lys (NM_199454.3); short protein forms E770K.
Identifiers: ClinVar variation 3718340 (VCV003718340.2).